The following is an entry in ClinVar:

ClinVar aggregate classification (germline): Pathogenic (1 of 4 stars; one submission).

Conditions:
Mucopolysaccharidosis, MPS-IV-B (MPS4B). Also called: Mucopolysaccharidosis type 4B; Mucopolysaccharidosis type IVB (Morquio); MPS IVB; MORQUIO SYNDROME B; Mucopolysaccharidosis type IV B; Mucopolysaccharidosis Type IVB. Identifiers: Orphanet 309310, Orphanet 582, MedGen C0086652, MONDO:0009660, OMIM 253010.
GM1 gangliosidosis. Identifiers: Orphanet 354, MedGen C0085131, MONDO:0018149.

Submission:

Labcorp Genetics (formerly Invitae), Labcorp
Classification: Pathogenic for Mucopolysaccharidosis, MPS-IV-B; GM1 gangliosidosis. Last evaluated: 2023-05-27. Review status: criteria provided, single submitter. Criteria: Invitae Variant Classification Sherloc (09022015). Collection method: clinical testing. Allele origin: germline.
Comment: This premature translational stop signal has been observed in individual(s) with GM1 gangliosidosis (PMID: 17309651). For these reasons, this variant has been classified as Pathogenic. This variant disrupts a region of the GLB1 protein in which other variant(s) (p.Lys578Arg) have been determined to be pathogenic (PMID: 8213816, 21497194, 25557439). This suggests that this is a clinically significant region of the protein, and that variants that disrupt it are likely to be disease-causing. This variant is not present in population databases (gnomAD no frequency). This sequence change creates a premature translational stop signal (p.Trp576*) in the GLB1 gene. While this is not anticipated to result in nonsense mediated decay, it is expected to disrupt the last 102 amino acid(s) of the GLB1 protein.

Literature cited by the submitters: PubMed 17309651; PubMed 8213816; PubMed 21497194; PubMed 25557439.

NM_000404.4(GLB1):c.1728G>A (p.Trp576Ter)

Gene: GLB1 (galactosidase beta 1; minus strand). Cytogenetic location: 3p22.3.
Variant type: single nucleotide variant.
Coding change: c.1728G>A on transcript NM_000404.4 (MANE Select); coding-DNA position 1728, G replaced by A.
Protein change: p.Trp576Ter; replaces tryptophan 576 with a stop codon.
Molecular consequence: nonsense.
Genome position (GRCh38, 1-based): chr3:33,014,062, C>T on the plus strand (G>A on the coding strand, the complement: GLB1 is on the minus strand). VCF-style: chr3-33014062-C-T. GRCh37 (hg19) VCF-style: chr3-33055554-C-T.
Other names: c.1638G>A, p.Trp546Ter (NM_001079811.3); c.1335G>A, p.Trp445Ter (NM_001135602.3); c.1872G>A, p.Trp624Ter (NM_001317040.2); c.1728G>A, p.Trp576Ter (NM_001393580.1); short protein forms W445*, W546*, W576*, W624*.
Identifiers: ClinVar variation 2925349 (VCV002925349.3), dbSNP rs2471247835, ClinGen allele CA351983561.
Genomic context (GRCh38, chr3:33,014,062, plus strand): 5'-CTAACAACCAAAAGTTTAGGCCTGAATTCAAACCCTTCCCATGAAGACACGTACCTTGGT[C>T]CATCCAGGAAACTGGATAAAGGTGTCCTGGGGCAAGTCTGGGATCCCACTGGGAATGGAG-3'